The following is an entry in ClinVar:

ClinVar aggregate classification (germline): Uncertain significance (1 of 4 stars; one submission).

Conditions:
Neurofibromatosis, type 1 (NF1). Also called: Neurofibromatosis, type I; VON RECKLINGHAUSEN DISEASE; NEUROFIBROMATOSIS, TYPE I, SOMATIC; Peripheral type neurofibromatosis. Identifiers: Orphanet 636, MedGen C0027831, MONDO:0018975, OMIM 162200. Disease mechanism: loss of function.

Submission:

Labcorp Genetics (formerly Invitae), Labcorp
Classification: Uncertain significance for Neurofibromatosis, type 1. Last evaluated: 2020-09-16. Review status: criteria provided, single submitter. Criteria: Invitae Variant Classification Sherloc (09022015). Collection method: clinical testing. Allele origin: germline.
Comment: In summary, the available evidence is currently insufficient to determine the role of this variant in disease. Therefore, it has been classified as a Variant of Uncertain Significance. Nucleotide substitutions within the consensus splice site are a relatively common cause of aberrant splicing (PMID: 17576681, 9536098). Algorithms developed to predict the effect of sequence changes on RNA splicing suggest that this variant is not likely to affect RNA splicing, but this prediction has not been confirmed by published transcriptional studies. This variant has not been reported in the literature in individuals with NF1-related conditions. This variant is not present in population databases (ExAC no frequency). This sequence change falls in intron 51 of the NF1 gene. It does not directly change the encoded amino acid sequence of the NF1 protein, but it affects a nucleotide within the consensus splice site of the intron.

Literature cited by the submitters: PubMed 17576681; PubMed 9536098.

NM_001042492.3(NF1):c.7738+6A>T

Gene: NF1 (neurofibromin 1; plus strand). Cytogenetic location: 17q11.2.
Variant type: single nucleotide variant.
Coding change: c.7738+6A>T on transcript NM_001042492.3 (MANE Select); 6 bases into the intron after coding-DNA position 7738, A replaced by T.
Molecular consequence: intron variant.
Genome position (GRCh38, 1-based): chr17:31,356,588, A>T. VCF-style: chr17-31356588-A-T. GRCh37 (hg19) VCF-style: chr17-29683606-A-T.
Other names: c.7675+6A>T (NM_000267.4).
Identifiers: ClinVar variation 999013 (VCV000999013.5), dbSNP rs2070275951, ClinGen allele CA2255613685.